The following is an entry in ClinVar:

NM_001367561.1(DOCK7):c.3796C>T (p.Arg1266Ter)

Gene: DOCK7 (dedicator of cytokinesis 7; minus strand). Cytogenetic location: 1p31.3.
Variant type: single nucleotide variant.
Coding change: c.3796C>T on transcript NM_001367561.1 (MANE Select); coding-DNA position 3796, C replaced by T.
Protein change: p.Arg1266Ter; replaces arginine 1266 with a stop codon.
Molecular consequence: nonsense.
Genome position (GRCh38, 1-based): chr1:62,528,291, G>A on the plus strand (C>T on the coding strand, the complement: DOCK7 is on the minus strand). VCF-style: chr1-62528291-G-A. GRCh37 (hg19) VCF-style: chr1-62993962-G-A.
Other names: c.3796C>T, p.Arg1266Ter (NM_001271999.2, NM_001330614.2); c.3703C>T, p.Arg1235Ter (NM_001272000.2, NM_001272001.2, NM_033407.4); short protein forms R1266*, R1235*.
Identifiers: ClinVar variation 5006963 (VCV005006963.2).
Genomic context (GRCh38, chr1:62,528,291, plus strand): 5'-TTATCATACTTCCGCTCTCACTTTCATAATCATCAGTGGCTATACAAATTGGTCTTCCTC[G>A]TTGATTGTGAGTTTCTAAAGAAAAATAATCCAAAAAAATAAATAAAACTGTTTAGCTGAA-3'

ClinVar aggregate classification (germline): Likely pathogenic (1 of 4 stars; one submission).

Conditions:
Developmental and epileptic encephalopathy, 23 (DEE23). Also called: Epileptic encephalopathy, early infantile, 23. Identifiers: Orphanet 411986, MedGen C4014492, MONDO:0014371, OMIM 615859.

gnomAD v4.1: 3 of 1,609,118 alleles (0.00019%); highest among the groups gnomAD compares: Non-Finnish European, 0.00025%; no homozygotes.

Submission:

Juno Genomics, Hangzhou Juno Genomics, Inc
Classification: Likely pathogenic for Developmental and epileptic encephalopathy, 23. Review status: criteria provided, single submitter. Criteria: ACMG Guidelines, 2015. Collection method: clinical testing. Allele origin: germline.
Comment: Null variant in a gene where loss of function (LOF) is a known mechanism of disease.;Absent from controls (or at extremely low frequency if recessive) in Genome Aggregation Database.